The following is an entry in ClinVar:

NM_005245.4(FAT1):c.12820G>T (p.Glu4274Ter)

Gene: FAT1 (FAT atypical cadherin 1; minus strand). Cytogenetic location: 4q35.2.
Variant type: single nucleotide variant.
Coding change: c.12820G>T on transcript NM_005245.4 (MANE Select); coding-DNA position 12820, G replaced by T.
Protein change: p.Glu4274Ter; replaces glutamic acid 4274 with a stop codon.
Molecular consequence: nonsense.
Genome position (GRCh38, 1-based): chr4:186,596,720, C>A on the plus strand (G>T on the coding strand, the complement: FAT1 is on the minus strand). VCF-style: chr4-186596720-C-A. GRCh37 (hg19) VCF-style: chr4-187517874-C-A.
Other names: short protein forms E4274*.
Identifiers: ClinVar variation 1301307 (VCV001301307.2), dbSNP rs983524169, ClinGen allele CA358965905.

ClinVar aggregate classification (germline): Likely pathogenic (1 of 4 stars; one submission).

Conditions:
Nephrotic syndrome. Identifiers: MedGen C0027726, MONDO:0005377, HP:0000100.

gnomAD v4.1: 1 of 1,613,816 alleles (0.000062%); highest among the groups gnomAD compares: Non-Finnish European, 0.000085%; no homozygotes.

Submission:

Molecular Diagnostics and Clinical Genetics Unit, Hospital Universitari Son Espases/IbSalut
Classification: Likely pathogenic for Nephrotic syndrome. Last evaluated: 2021-10-22. Review status: criteria provided, single submitter. Criteria: ACMG Guidelines, 2015. Collection method: clinical testing. Allele origin: germline. Inheritance: Autosomal recessive inheritance. Affected: yes. Observed: 1 homozygote.
Comment: This variant is assumed to generate a stop codon from exon 25, removing the phosphotyrosine binding domain from the protected structure. This variant has not been described in the scientific literature or in general population databases. We classify this variant as probably pathogenic following the ACMG recommendations.